The following is an entry in ClinVar:

NM_000518.5(HBB):c.67G>T (p.Glu23Ter)

Genes: HBB (hemoglobin subunit beta; minus strand), LOC106099062 (HBB recombination region; plus strand), LOC107133510 (origin of replication at HBB; plus strand). Cytogenetic location: 11p15.4.
Variant type: single nucleotide variant.
Coding change: c.67G>T on transcript NM_000518.5 (MANE Select); coding-DNA position 67, G replaced by T.
Protein change: p.Glu23Ter; replaces glutamic acid 23 with a stop codon.
Molecular consequence: nonsense.
Genome position (GRCh38, 1-based): chr11:5,226,955, C>A on the plus strand (G>T on the coding strand, the complement: HBB is on the minus strand). VCF-style: chr11-5226955-C-A. GRCh37 (hg19) VCF-style: chr11-5248185-C-A.
Other names: CD 22 (GAA>TAA); short protein forms E23*.
Identifiers: ClinVar variation 869359 (VCV000869359.11), dbSNP rs33959855, ClinGen allele CA217115260.

ClinVar aggregate classification (germline): Pathogenic. Review status: criteria provided, multiple submitters, no conflicts (2 of 4 stars). 3 submissions from 3 submitters: Pathogenic (2). 1 of the submissions does not count toward it. Last evaluated 2025-01-22.

Conditions:
beta Thalassemia (BTHAL). Also called: Cooley's anemia; Erythroblastic anemia; Mediterranean anemia. Identifiers: Orphanet 848, MedGen C0005283, MONDO:0019402. Disease mechanism: loss of function.

gnomAD v4.1: 1 of 1,613,888 alleles (0.000062%); highest among the groups gnomAD compares: African/African-American, 0.0013%; no homozygotes.

Submissions (3):

Women's Health and Genetics/Laboratory Corporation of America, LabCorp
Classification: Pathogenic for beta Thalassemia. Last evaluated: 2025-01-22. Review status: criteria provided, single submitter. Criteria: LabCorp Variant Classification Summary - May 2015. Collection method: clinical testing. Allele origin: germline.
Comment: Variant summary: HBB c.67G>T (p.Glu23X) results in a premature termination codon, predicted to cause a truncation of the encoded protein or absence of the protein due to nonsense mediated decay, which are commonly known mechanisms for disease. The variant was absent in 251278 control chromosomes. c.67G>T has been reported in the literature in individuals affected with Beta Thalassemia (e.g. Ghanem_1992). To our knowledge, no experimental evidence demonstrating an impact on protein function has been reported. The following publication have been ascertained in the context of this evaluation (PMID: 1301930). ClinVar contains an entry for this variant (Variation ID: 869359). Based on the evidence outlined above, the variant was classified as pathogenic.

Labcorp Genetics (formerly Invitae), Labcorp
Classification: Pathogenic. Last evaluated: 2020-12-10. Review status: criteria provided, single submitter. Criteria: Invitae Variant Classification Sherloc (09022015). Collection method: clinical testing. Allele origin: germline.
Comment: For these reasons, this variant has been classified as Pathogenic. This variant has been observed in individual(s) with beta-thalassemias (PMID: 1301930, 27756326). This variant is also known as a codon 22 nonsense mutation (GAA-TAA) or codon 22 G>T. ClinVar contains an entry for this variant (Variation ID: 869359). This variant is not present in population databases (ExAC no frequency). This sequence change creates a premature translational stop signal (p.Glu23*) in the HBB gene. It is expected to result in an absent or disrupted protein product. Loss-of-function variants in HBB are known to be pathogenic (PMID: 23637309).

The ITHANET community portal, The Cyprus Institute of Neurology and Genetics
Classification: Pathogenic for beta Thalassemia. Last evaluated: 2019-11-25. Review status: no assertion criteria provided. Collection method: curation. Allele origin: germline. Not counted in ClinVar's aggregate classification.

Literature cited by the submitters: PubMed 1301930 (cited by 3 submitters); PubMed 27756326 (cited by Labcorp Genetics (formerly Invitae), Labcorp); PubMed 23637309 (cited by Labcorp Genetics (formerly Invitae), Labcorp).